The following is an entry in ClinVar:

NM_005245.4(FAT1):c.12680_12683delinsGAA (p.Phe4227_Leu4228delinsTer)

Gene: FAT1 (FAT atypical cadherin 1; minus strand). Cytogenetic location: 4q35.2.
Variant type: Indel.
Coding change: c.12680_12683delinsGAA on transcript NM_005245.4 (MANE Select); coding-DNA positions 12680 to 12683, TCTT replaced by GAA.
Protein change: p.Phe4227_Leu4228delinsTer.
Molecular consequence: nonsense.
Genome position (GRCh38, 1-based): chr4:186,596,857-186,596,860, AAGA replaced by TTC on the plus strand (TCTT replaced by GAA on the coding strand, the reverse complement: FAT1 is on the minus strand). VCF-style: chr4-186596857-AAGA-TTC. GRCh37 (hg19) VCF-style: chr4-187518011-AAGA-TTC.
Identifiers: ClinVar variation 2043616 (VCV002043616.4), dbSNP rs2477285101, ClinGen allele CA2580071726.
Genomic context (GRCh38, chr4:186,596,857, plus strand): 5'-TGGGGTGGTATGTCTGAGTAAATGTTCTTATTTAGCTTGGAATCAAAATACGGTCTTTGC[AAGA>TTC]AAGCCGTAGCGGGTCCCAGGTGCTTGTCTTTAGGTTCAGCCTGATGCTTCTTTTTCCGAC-3'

ClinVar aggregate classification (germline): Pathogenic (1 of 4 stars; one submission).

Submission:

Labcorp Genetics (formerly Invitae), Labcorp
Classification: Pathogenic. Last evaluated: 2022-07-12. Review status: criteria provided, single submitter. Criteria: Invitae Variant Classification Sherloc (09022015). Collection method: clinical testing. Allele origin: germline.
Comment: This variant has not been reported in the literature in individuals affected with FAT1-related conditions. This variant is not present in population databases (gnomAD no frequency). This sequence change creates a premature translational stop signal (p.Phe4227*) in the FAT1 gene. It is expected to result in an absent or disrupted protein product. Loss-of-function variants in FAT1 are known to be pathogenic (PMID: 30862798). For these reasons, this variant has been classified as Pathogenic.

Literature cited by the submitters: PubMed 30862798.